The following is an entry in ClinVar:

NM_001348716.2(KDM6B):c.3304G>A (p.Glu1102Lys)

Gene: KDM6B (lysine demethylase 6B; plus strand). Cytogenetic location: 17p13.1.
Variant type: single nucleotide variant.
Coding change: c.3304G>A on transcript NM_001348716.2 (MANE Select); coding-DNA position 3304, G replaced by A.
Protein change: p.Glu1102Lys; replaces glutamic acid 1102 with lysine.
Molecular consequence: missense variant.
Genome position (GRCh38, 1-based): chr17:7,849,592, G>A. VCF-style: chr17-7849592-G-A. GRCh37 (hg19) VCF-style: chr17-7752910-G-A.
Other names: c.3304G>A, p.Glu1102Lys (NM_001080424.2); short protein forms E1102K.
Identifiers: ClinVar variation 4279834 (VCV004279834.1).

ClinVar aggregate classification (germline): Uncertain significance (1 of 4 stars; one submission).

Conditions:
Neurodevelopmental disorder with coarse facies and mild distal skeletal abnormalities. Also called: STOLERMAN NEURODEVELOPMENTAL SYNDROME. Identifiers: MedGen C5193134, MONDO:0032790, OMIM 618505.

Submission:

Clinical Genomics Laboratory, Washington University in St. Louis
Classification: Uncertain significance for Neurodevelopmental disorder with coarse facies and mild distal skeletal abnormalities. Last evaluated: 2025-07-16. Review status: criteria provided, single submitter. Criteria: ACMG Guidelines, 2015. Collection method: clinical testing. Allele origin: germline.
Comment: The KDM6B c.3304G>A (p.Glu1102Lys) variant, to our knowledge, has not been reported in the medical literature. This variant is absent from the general population (gnomAD v2.1.1), indicating it is not a common variant. Computational predictors suggest that the variant does not impact KDM6B function. Due to limited information, and based on ACMG/AMP guidelines for variant interpretation (Richards S et al., PMID: 25741868), the clinical significance of this variant is uncertain at this time.